The following is an entry in ClinVar:

ClinVar aggregate classification (germline): Uncertain significance. Review status: criteria provided, multiple submitters, no conflicts (2 of 4 stars). 4 submissions from 4 submitters: Uncertain significance (4). Last evaluated 2022-07-12.

Conditions:
Nemaline myopathy 2 (NEM2). Also called: Nemaline myopathy 2, autosomal recessive. Identifiers: MedGen C1850569, MONDO:0009725, OMIM 256030.

Allele frequency attached by ClinVar (database versions not stated): gnomAD 0.00001; TOPMed 0.00001.
gnomAD v4.1: 22 of 1,613,516 alleles (0.0014%); highest among the groups gnomAD compares: Non-Finnish European, 0.0019%; no homozygotes.

Submissions (4):

Labcorp Genetics (formerly Invitae), Labcorp
Classification: Uncertain significance for Nemaline myopathy 2. Last evaluated: 2022-07-12. Review status: criteria provided, single submitter. Criteria: Invitae Variant Classification Sherloc (09022015). Collection method: clinical testing. Allele origin: germline.
Comment: This sequence change replaces aspartic acid, which is acidic and polar, with glycine, which is neutral and non-polar, at codon 7652 of the NEB protein (p.Asp7652Gly). This variant is present in population databases (rs776739582, gnomAD 0.002%). This variant has not been reported in the literature in individuals affected with NEB-related conditions. ClinVar contains an entry for this variant (Variation ID: 331415). Algorithms developed to predict the effect of missense changes on protein structure and function are either unavailable or do not agree on the potential impact of this missense change (SIFT: "Deleterious"; PolyPhen-2: "Not Available"; Align-GVGD: "Class C0"). In summary, the available evidence is currently insufficient to determine the role of this variant in disease. Therefore, it has been classified as a Variant of Uncertain Significance.

GeneDx
Classification: Uncertain significance. Last evaluated: 2021-11-23. Review status: criteria provided, single submitter. Criteria: GeneDx Variant Classification Process June 2021. Collection method: clinical testing. Allele origin: germline. Affected: yes.
Comment: Not observed at significant frequency in large population cohorts (Lek et al., 2016); In silico analysis supports that this missense variant has a deleterious effect on protein structure/function; Has not been previously published as pathogenic or benign to our knowledge

Revvity Omics, Revvity
Classification: Uncertain significance. Last evaluated: 2021-05-17. Review status: criteria provided, single submitter. Criteria: ACMG Guidelines, 2015. Collection method: clinical testing. Allele origin: germline.

Illumina Laboratory Services, Illumina
Classification: Uncertain significance for Nemaline myopathy 2. Last evaluated: 2018-01-13. Review status: criteria provided, single submitter. Criteria: ICSL Variant Classification Criteria 13 December 2019. Collection method: clinical testing. Allele origin: germline.

NM_001164508.2(NEB):c.22850A>G (p.Asp7617Gly)

Genes: NEB (nebulin; minus strand), RIF1 (replication timing regulatory factor 1; plus strand). Cytogenetic location: 2q23.3.
Variant type: single nucleotide variant.
Coding change: c.22850A>G on transcript NM_001164508.2 (MANE Select); coding-DNA position 22850, A replaced by G.
Protein change: p.Asp7617Gly; replaces aspartic acid 7617 with glycine.
Molecular consequence: missense variant.
Genome position (GRCh38, 1-based): chr2:151,516,514, T>C on the plus strand (A>G on the coding strand, the complement: NEB is on the minus strand). VCF-style: chr2-151516514-T-C. GRCh37 (hg19) VCF-style: chr2-152373028-T-C.
Other names: c.22850A>G, p.Asp7617Gly (NM_001164507.2); c.22955A>G, p.Asp7652Gly (NM_001271208.2); c.17747A>G, p.Asp5916Gly (NM_004543.5); short protein forms D5916G, D7652G, D7617G.
Identifiers: ClinVar variation 331415 (VCV000331415.13), dbSNP rs776739582, ClinGen allele CA1906514.
Genomic context (GRCh38, chr2:151,516,514, plus strand): 5'-CTTACCCCACTCTGCATCTGCTGAGACTCTTTGGCAGTGATGTACGTTGGTGTTTCAAAG[T>C]CCAGCATGGGTTTTCCTCGTTCCTTTTCATACTTTTCTTTGTATTTCACCTGGTGATAGA-3'
Protein context (NP_001157980.2, residues 7607-7627): YEKERGKPML[Asp7617Gly]FETPTYITAK